The following is an entry in ClinVar:

ClinVar aggregate classification (germline): Pathogenic. Review status: criteria provided, single submitter (1 of 4 stars). 2 submissions from 2 submitters: Pathogenic (1). 1 of the submissions does not count toward it. Last evaluated 2021-08-19.

Conditions:
Breast and/or ovarian cancer. Identifiers: MedGen CN221562.
Hereditary cancer-predisposing syndrome. Also called: Neoplastic Syndromes, Hereditary; Hereditary neoplastic syndrome; Tumor predisposition; Hereditary Cancer Syndrome. Identifiers: Orphanet 140162, MedGen C0027672, MeSH D009386, MONDO:0015356.

Submissions (2):

Ambry Genetics
Classification: Pathogenic for Hereditary cancer-predisposing syndrome. Last evaluated: 2021-08-19. Review status: criteria provided, single submitter. Criteria: Ambry Variant Classification Scheme 2023. Collection method: clinical testing. Allele origin: germline.
Comment: The c.9145dupT pathogenic mutation, located in coding exon 23 of the BRCA2 gene, results from a duplication of T at nucleotide position 9145, causing a translational frameshift with a predicted alternate stop codon (p.Y3049Lfs*23). This alteration was detected in 1/7400 high-risk Czech breast/ ovarian cancer families (Machackova E et al. Klin Onkol. 2019;32:51-71). This variant is considered to be rare based on population cohorts in the Genome Aggregation Database (gnomAD). In addition to the clinical data presented in the literature, this alteration is expected to result in loss of function by premature protein truncation or nonsense-mediated mRNA decay. As such, this alteration is interpreted as a disease-causing mutation.

CZECANCA consortium
Classification: Pathogenic for Breast and/or ovarian cancer. Last evaluated: 2019-06-11. Review status: no assertion criteria provided. Collection method: clinical testing. Allele origin: germline. Affected: yes. Observed: 1 variant allele. Not counted in ClinVar's aggregate classification.

Literature cited by the submitters: PubMed 31409081 (cited by Ambry Genetics); PubMed 32295079 (cited by CZECANCA consortium).

NM_000059.4(BRCA2):c.9145dup (p.Tyr3049fs)

Gene: BRCA2 (BRCA2 DNA repair associated; plus strand). Cytogenetic location: 13q13.1.
Variant type: Duplication.
Coding change: c.9145dup on transcript NM_000059.4 (MANE Select); coding-DNA position 9145, one base duplicated (T; older notation c.9145dupT).
Protein change: p.Tyr3049fs; shifts the reading frame from tyrosine 3049.
Molecular consequence: frameshift variant.
Genome position (GRCh38, 1-based): chr13:32,380,034, T duplicated; the last of 3 consecutive T bases (chr13:32,380,032-32,380,034); duplicating any one gives the same sequence. VCF-style (leftmost placement, unchanged base first): chr13-32380031-A-AT. GRCh37 (hg19) VCF-style: chr13-32954168-A-AT.
Other names: short protein forms Y3049fs.
Identifiers: ClinVar variation 989431 (VCV000989431.3), dbSNP rs2072912874, ClinGen allele CA1139663163.
Genomic context (GRCh38, chr13:32,380,031, plus strand): 5'-TCTCCATATGTTGAATTTTTGTTTTGTTTTCTGTAGGTTTCAGATGAAATTTTATTTCAG[A>AT]TTTACCAGCCACGGGAGCCCCTTCACTTCAGCAAATTTTTAGATCCAGACTTTCAGCCAT-3'